The following is an entry in ClinVar:

ClinVar aggregate classification (germline): Uncertain significance (1 of 4 stars; one submission).

Conditions:
Hypertrophic cardiomyopathy. Also called: HYPERTROPHIC MYOCARDIOPATHY. Identifiers: Orphanet 217569, MedGen C0007194, MeSH D002312, MONDO:0005045, HP:0001639.

Allele frequency attached by ClinVar (database versions not stated): gnomAD 0.00001; TOPMed 0.00001.
gnomAD v4.1: 1 of 1,613,852 alleles (0.000062%); highest among the groups gnomAD compares: African/African-American, 0.0013%; no homozygotes.

Submission:

Labcorp Genetics (formerly Invitae), Labcorp
Classification: Uncertain significance for Hypertrophic cardiomyopathy. Last evaluated: 2024-08-06. Review status: criteria provided, single submitter. Criteria: Invitae Variant Classification Sherloc (09022015). Collection method: clinical testing. Allele origin: germline.
Comment: This sequence change replaces histidine, which is basic and polar, with arginine, which is basic and polar, at codon 1293 of the MYOM1 protein (p.His1293Arg). This variant is not present in population databases (gnomAD no frequency). This variant has not been reported in the literature in individuals affected with MYOM1-related conditions. ClinVar contains an entry for this variant (Variation ID: 1401597). Advanced modeling of protein sequence and biophysical properties (such as structural, functional, and spatial information, amino acid conservation, physicochemical variation, residue mobility, and thermodynamic stability) performed at Invitae indicates that this missense variant is not expected to disrupt MYOM1 protein function with a negative predictive value of 80%. In summary, the available evidence is currently insufficient to determine the role of this variant in disease. Therefore, it has been classified as a Variant of Uncertain Significance.

NM_003803.4(MYOM1):c.3878A>G (p.His1293Arg)

Gene: MYOM1 (myomesin 1; minus strand). Cytogenetic location: 18p11.31.
Variant type: single nucleotide variant.
Coding change: c.3878A>G on transcript NM_003803.4 (MANE Select); coding-DNA position 3878, A replaced by G.
Protein change: p.His1293Arg; replaces histidine 1293 with arginine.
Molecular consequence: missense variant.
Genome position (GRCh38, 1-based): chr18:3,090,789, T>C on the plus strand (A>G on the coding strand, the complement: MYOM1 is on the minus strand). VCF-style: chr18-3090789-T-C. GRCh37 (hg19) VCF-style: chr18-3090787-T-C.
Other names: c.3590A>G, p.His1197Arg (NM_019856.2); short protein forms H1197R, H1293R.
Identifiers: ClinVar variation 1401597 (VCV001401597.8), dbSNP rs1438274216, ClinGen allele CA401712526.
Genomic context (GRCh38, chr18:3,090,789, plus strand): 5'-TCATCCTCATCCTGTAGCTTTTCCATGAACATTTCGATGATGCCAGTGTTTCGGTCAATA[T>C]GCATTTTATATTTCTTCAGTGTGAAAAGAAAATGACAGAGAAATCACTGAGGCATATATT-3'
Protein context (NP_003794.3, residues 1283-1303): EIFEGPKYKM[His1293Arg]IDRNTGIIEM